The following is an entry in ClinVar:

NM_052947.4(ALPK2):c.452A>G (p.Glu151Gly)

Gene: ALPK2 (alpha kinase 2; minus strand). Cytogenetic location: 18q21.31.
Variant type: single nucleotide variant.
Coding change: c.452A>G on transcript NM_052947.4 (MANE Select); coding-DNA position 452, A replaced by G.
Protein change: p.Glu151Gly; replaces glutamic acid 151 with glycine.
Molecular consequence: missense variant.
Genome position (GRCh38, 1-based): chr18:58,580,324, T>C on the plus strand (A>G on the coding strand, the complement: ALPK2 is on the minus strand). VCF-style: chr18-58580324-T-C. GRCh37 (hg19) VCF-style: chr18-56247556-T-C.
Other names: short protein forms E151G.
Identifiers: ClinVar variation 2625975 (VCV002625975.2), dbSNP rs2518900225, ClinGen allele CA402567937.
Genomic context (GRCh38, chr18:58,580,324, plus strand): 5'-GAATGGTTGGATTTGGAGGGGGAGGAGTCAGCTGACCTGGGAGTGCCCGGGGAGATGCTT[T>C]CTTCTTCCTTATAAGGATGTTCCTTCTCATCAATCTGATTTGCCCTTTCTTCTTCATGTG-3'
Protein context (NP_443179.3, residues 141-161): DEKEHPYKEE[Glu151Gly]SISPGTPRSA

ClinVar aggregate classification (germline): Uncertain significance (1 of 4 stars; one submission).

Submission:

Ambry Genetics
Classification: Uncertain significance. Last evaluated: 2023-06-24. Review status: criteria provided, single submitter. Criteria: Ambry Variant Classification Scheme 2023. Collection method: clinical testing. Allele origin: germline.
Comment: The p.E151G variant (also known as c.452A>G), located in coding exon 3 of the ALPK2 gene, results from an A to G substitution at nucleotide position 452. The glutamic acid at codon 151 is replaced by glycine, an amino acid with similar properties. This amino acid position is conserved. In addition, this alteration is predicted to be tolerated by in silico analysis. Since supporting evidence is limited at this time, the clinical significance of this alteration remains unclear.